The following is an entry in ClinVar:

NM_017514.5(PLXNA3):c.4808G>A (p.Arg1603His)

Gene: PLXNA3 (plexin A3; plus strand). Cytogenetic location: Xq28.
Variant type: single nucleotide variant.
Coding change: c.4808G>A on transcript NM_017514.5 (MANE Select); coding-DNA position 4808, G replaced by A.
Protein change: p.Arg1603His; replaces arginine 1603 with histidine.
Molecular consequence: missense variant.
Genome position (GRCh38, 1-based): chrX:154,469,989, G>A. VCF-style: chrX-154469989-G-A. GRCh37 (hg19) VCF-style: chrX-153698332-G-A.
Other names: c.4808G>A (NM_017514.3); short protein forms R1603H.
Identifiers: ClinVar variation 2636787 (VCV002636787.4), dbSNP rs142245785, ClinGen allele CA10564984.

ClinVar aggregate classification (germline): Uncertain significance. Review status: criteria provided, single submitter (1 of 4 stars). 2 submissions from 2 submitters: Uncertain significance (1). 1 of the submissions does not count toward it. Last evaluated 2024-07-31.

Conditions:
PLXNA3-related disorder. Also called: PLXNA3-related condition.

Allele frequency attached by ClinVar (database versions not stated): gnomAD exomes 0.00006; ESP Exome Variant Server 0.00009; ExAC 0.00011; gnomAD 0.00015; TOPMed 0.00017.
gnomAD v4.1: 80 of 1,209,537 alleles (0.0066%); highest among the groups gnomAD compares: African/African-American, 0.068%; no homozygotes.

Submissions (2):

Ambry Genetics
Classification: Uncertain significance. Last evaluated: 2024-07-31. Review status: criteria provided, single submitter. Criteria: Ambry Variant Classification Scheme 2023. Collection method: clinical testing. Allele origin: germline.

PreventionGenetics, part of Exact Sciences
Classification: Likely benign for PLXNA3-related condition. Last evaluated: 2024-05-15. Review status: no assertion criteria provided. Collection method: clinical testing. Allele origin: germline. Not counted in ClinVar's aggregate classification.
Comment: This variant is classified as likely benign based on ACMG/AMP sequence variant interpretation guidelines (Richards et al. 2015 PMID: 25741868, with internal and published modifications).